The following is an entry in ClinVar:

NM_144596.4(TTC8):c.1387del (p.His463fs)

Gene: TTC8 (tetratricopeptide repeat domain 8; plus strand). Cytogenetic location: 14q31.3.
Variant type: Deletion.
Coding change: c.1387del on transcript NM_144596.4 (MANE Select); coding-DNA position 1387, one base deleted (C; older notation c.1387delC).
Protein change: p.His463fs; shifts the reading frame from histidine 463.
Molecular consequence: frameshift variant. On other transcripts: non-coding transcript variant (1), intron variant (2).
Genome position (GRCh38, 1-based): chr14:88,875,065, C deleted; the last of 4 consecutive C bases (chr14:88,875,062-88,875,065); deleting any one gives the same sequence. VCF-style (leftmost placement, unchanged base first): chr14-88875061-AC-A. GRCh37 (hg19) VCF-style: chr14-89341405-AC-A.
Other names: c.1435del, p.His479fs (NM_001288781.1); c.793del, p.His265fs (NM_001288782.1); c.670del, p.His224fs (NM_001288783.1); c.1357del, p.His453fs (NM_198309.3); c.1267del, p.His423fs (NM_198310.3); c.1318-2229del (NM_001366535.2); c.1228-2229del (NM_001366536.2); short protein forms H453fs, H479fs, H463fs, H224fs, H265fs, H423fs.
Identifiers: ClinVar variation 1500248 (VCV001500248.6), dbSNP rs2141044380, ClinGen allele CA2573150237.

ClinVar aggregate classification (germline): Likely pathogenic (1 of 4 stars; one submission).

Conditions:
Bardet-Biedl syndrome (BBS). Identifiers: Orphanet 110, MedGen C0752166, MONDO:0015229.

Submission:

Labcorp Genetics (formerly Invitae), Labcorp
Classification: Likely pathogenic for Bardet-Biedl syndrome. Last evaluated: 2021-09-29. Review status: criteria provided, single submitter. Criteria: Invitae Variant Classification Sherloc (09022015). Collection method: clinical testing. Allele origin: germline.
Comment: In summary, the currently available evidence indicates that the variant is pathogenic, but additional data are needed to prove that conclusively. Therefore, this variant has been classified as Likely Pathogenic. Experimental studies and prediction algorithms are not available or were not evaluated, and the functional significance of this variant is currently unknown. This premature translational stop signal has been observed in individual(s) with clinical features of Bardet-Biedl syndrome (Invitae). This variant is not present in population databases (ExAC no frequency). This sequence change creates a premature translational stop signal (p.His453Ilefs*42) in the TTC8 gene. While this is not anticipated to result in nonsense mediated decay, it is expected to disrupt the last 53 amino acid(s) of the TTC8 protein.